The following is an entry in ClinVar:

NM_002473.6(MYH9):c.563T>C (p.Ile188Thr)

Gene: MYH9 (myosin heavy chain 9; minus strand). Cytogenetic location: 22q12.3.
Variant type: single nucleotide variant.
Coding change: c.563T>C on transcript NM_002473.6 (MANE Select); coding-DNA position 563, T replaced by C.
Protein change: p.Ile188Thr; replaces isoleucine 188 with threonine.
Molecular consequence: missense variant.
Genome position (GRCh38, 1-based): chr22:36,326,617, A>G on the plus strand (T>C on the coding strand, the complement: MYH9 is on the minus strand). VCF-style: chr22-36326617-A-G. GRCh37 (hg19) VCF-style: chr22-36722662-A-G.
Other names: short protein forms I188T.
Identifiers: ClinVar variation 3652428 (VCV003652428.2).

ClinVar aggregate classification (germline): Uncertain significance (1 of 4 stars; one submission).

Submission:

Labcorp Genetics (formerly Invitae), Labcorp
Classification: Uncertain significance. Last evaluated: 2024-05-06. Review status: criteria provided, single submitter. Criteria: Invitae Variant Classification Sherloc (09022015). Collection method: clinical testing. Allele origin: germline.
Comment: This sequence change replaces isoleucine, which is neutral and non-polar, with threonine, which is neutral and polar, at codon 188 of the MYH9 protein (p.Ile188Thr). This variant is not present in population databases (gnomAD no frequency). This variant has not been reported in the literature in individuals affected with MYH9-related conditions. Advanced modeling of protein sequence and biophysical properties (such as structural, functional, and spatial information, amino acid conservation, physicochemical variation, residue mobility, and thermodynamic stability) performed at Invitae indicates that this missense variant is expected to disrupt MYH9 protein function with a positive predictive value of 95%. In summary, the available evidence is currently insufficient to determine the role of this variant in disease. Therefore, it has been classified as a Variant of Uncertain Significance.